The following is an entry in ClinVar:

ClinVar aggregate classification (germline): Uncertain significance (1 of 4 stars; one submission).

Allele frequency attached by ClinVar (database versions not stated): gnomAD exomes 0.00001; gnomAD 0.00003; TOPMed 0.00005.

Submission:

Labcorp Genetics (formerly Invitae), Labcorp
Classification: Uncertain significance. Last evaluated: 2022-09-27. Review status: criteria provided, single submitter. Criteria: Invitae Variant Classification Sherloc (09022015). Collection method: clinical testing. Allele origin: germline.
Comment: This sequence change replaces threonine, which is neutral and polar, with isoleucine, which is neutral and non-polar, at codon 1311 of the SON protein (p.Thr1311Ile). This variant is present in population databases (no rsID available, gnomAD 0.003%). This variant has not been reported in the literature in individuals affected with SON-related conditions. Algorithms developed to predict the effect of missense changes on protein structure and function are either unavailable or do not agree on the potential impact of this missense change (SIFT: "Deleterious"; PolyPhen-2: "Possibly Damaging"; Align-GVGD: "Class C0"). In summary, the available evidence is currently insufficient to determine the role of this variant in disease. Therefore, it has been classified as a Variant of Uncertain Significance.

NM_138927.4(SON):c.3932C>T (p.Thr1311Ile)

Gene: SON (SON DNA and RNA binding protein; plus strand). Cytogenetic location: 21q22.11.
Variant type: single nucleotide variant.
Coding change: c.3932C>T on transcript NM_138927.4 (MANE Select); coding-DNA position 3932, C replaced by T.
Protein change: p.Thr1311Ile; replaces threonine 1311 with isoleucine.
Molecular consequence: missense variant. On other transcripts: non-coding transcript variant (1), intron variant (1).
Genome position (GRCh38, 1-based): chr21:33,553,163, C>T. VCF-style: chr21-33553163-C-T. GRCh37 (hg19) VCF-style: chr21-34925469-C-T.
Other names: c.3932C>T, p.Thr1311Ile (NM_001291411.2, NM_001412133.1, NM_032195.3 and 2 more transcripts); c.245-3993C>T (NM_001291412.3); short protein forms T1311I.
Identifiers: ClinVar variation 2167957 (VCV002167957.4), dbSNP rs1254133165, ClinGen allele CA410161212.